The following is an entry in ClinVar:

ClinVar aggregate classification (germline): Likely benign (1 of 4 stars; one submission).

Allele frequency attached by ClinVar (database versions not stated): gnomAD exomes 0.00001; 1000 Genomes Project 30x 0.00016; 1000 Genomes Project 0.00020; TOPMed 0.00020; gnomAD 0.00025 and 0.00026.
gnomAD v4.1: 54 of 1,312,404 alleles (0.0041%); highest among the groups gnomAD compares: African/African-American, 0.077%; no homozygotes.

Submission:

GeneDx
Classification: Likely benign. Last evaluated: 2016-04-26. Review status: criteria provided, single submitter. Criteria: GeneDx Variant Classification (06012015). Collection method: clinical testing. Allele origin: germline. Affected: yes.
Comment: This variant is considered likely benign or benign based on one or more of the following criteria: it is a conservative change, it occurs at a poorly conserved position in the protein, it is predicted to be benign by multiple in silico algorithms, and/or has population frequency not consistent with disease.

NM_013391.3(DMGDH):c.78G>T (p.Pro26=)

Gene: DMGDH (dimethylglycine dehydrogenase; minus strand). Cytogenetic location: 5q14.1.
Variant type: single nucleotide variant.
Coding change: c.78G>T on transcript NM_013391.3 (MANE Select); coding-DNA position 78, G replaced by T.
Protein change: p.Pro26=; no amino-acid change (proline 26 retained).
Molecular consequence: synonymous variant. On other transcripts: non-coding transcript variant (2).
Genome position (GRCh38, 1-based): chr5:79,069,543, C>A on the plus strand (G>T on the coding strand, the complement: DMGDH is on the minus strand). VCF-style: chr5-79069543-C-A. GRCh37 (hg19) VCF-style: chr5-78365366-C-A.
Identifiers: ClinVar variation 385005 (VCV000385005.1), dbSNP rs556440039, ClinGen allele CA16604832.